The following is an entry in ClinVar:

ClinVar aggregate classification (germline): Uncertain significance. Review status: criteria provided, multiple submitters, no conflicts (2 of 4 stars). 2 submissions from 2 submitters: Uncertain significance (2). Last evaluated 2022-12-06.

Conditions:
Congenital contractural arachnodactyly (CCA). Also called: Arthrogryposis, distal, type 9; Beals-Hecht syndrome; BEALS SYNDROME. Identifiers: Orphanet 115, MedGen C0220668, MONDO:0007363, OMIM 121050.

Allele frequency attached by ClinVar (database versions not stated): gnomAD exomes below 0.00001; TOPMed 0.00001.
gnomAD v4.1: 2 of 1,613,724 alleles (0.00012%); highest among the groups gnomAD compares: Non-Finnish European, 0.00017%; no homozygotes.

Submissions (2):

Labcorp Genetics (formerly Invitae), Labcorp
Classification: Uncertain significance for Congenital contractural arachnodactyly. Last evaluated: 2022-12-06. Review status: criteria provided, single submitter. Criteria: Invitae Variant Classification Sherloc (09022015). Collection method: clinical testing. Allele origin: germline.
Comment: In summary, the available evidence is currently insufficient to determine the role of this variant in disease. Therefore, it has been classified as a Variant of Uncertain Significance. Advanced modeling of protein sequence and biophysical properties (such as structural, functional, and spatial information, amino acid conservation, physicochemical variation, residue mobility, and thermodynamic stability) performed at Invitae indicates that this missense variant is not expected to disrupt FBN2 protein function. ClinVar contains an entry for this variant (Variation ID: 809794). This variant has not been reported in the literature in individuals affected with FBN2-related conditions. This variant is not present in population databases (gnomAD no frequency). This sequence change replaces valine, which is neutral and non-polar, with alanine, which is neutral and non-polar, at codon 1576 of the FBN2 protein (p.Val1576Ala).

CeGaT Center for Human Genetics Tuebingen
Classification: Uncertain significance. Last evaluated: 2018-09-01. Review status: criteria provided, single submitter. Criteria: CeGaT Center For Human Genetics Tuebingen Variant Classification Criteria Version 2. Collection method: clinical testing. Allele origin: germline. Affected: yes. Observed: 1 variant allele.

NM_001999.4(FBN2):c.4727T>C (p.Val1576Ala)

Gene: FBN2 (fibrillin 2; minus strand). Cytogenetic location: 5q23.3.
Variant type: single nucleotide variant.
Coding change: c.4727T>C on transcript NM_001999.4 (MANE Select); coding-DNA position 4727, T replaced by C.
Protein change: p.Val1576Ala; replaces valine 1576 with alanine.
Molecular consequence: missense variant.
Genome position (GRCh38, 1-based): chr5:128,312,786, A>G on the plus strand (T>C on the coding strand, the complement: FBN2 is on the minus strand). VCF-style: chr5-128312786-A-G. GRCh37 (hg19) VCF-style: chr5-127648478-A-G.
Other names: short protein forms V1576A.
Identifiers: ClinVar variation 809794 (VCV000809794.45), dbSNP rs1581208599, ClinGen allele CA360747794.